The following is an entry in ClinVar:

ClinVar aggregate classification (germline): Uncertain significance. Review status: criteria provided, multiple submitters, no conflicts (2 of 4 stars). 2 submissions from 2 submitters: Uncertain significance (2). Last evaluated 2025-08-11.

Conditions:
Charcot-Marie-Tooth disease axonal type 2L. Also called: Charcot-Marie-Tooth Neuropathy Type 2L; CHARCOT-MARIE-TOOTH DISEASE, AXONAL, AUTOSOMAL DOMINANT, TYPE 2L; CHARCOT-MARIE-TOOTH NEUROPATHY, AXONAL, TYPE 2L. Identifiers: Orphanet 99945, MedGen C1837552, MONDO:0012096, OMIM 608673.

Allele frequency attached by ClinVar (database versions not stated): TOPMed below 0.00001; ExAC 0.00001; gnomAD 0.00001.
gnomAD v4.1: 7 of 1,613,986 alleles (0.00043%); highest among the groups gnomAD compares: South Asian, 0.0022%; no homozygotes.

Submissions (2):

Labcorp Genetics (formerly Invitae), Labcorp
Classification: Uncertain significance for Charcot-Marie-Tooth disease axonal type 2L. Last evaluated: 2025-08-11. Review status: criteria provided, single submitter. Criteria: Invitae Variant Classification Sherloc (09022015). Collection method: clinical testing. Allele origin: germline.
Comment: This sequence change replaces arginine, which is basic and polar, with histidine, which is basic and polar, at codon 17 of the HSPB8 protein (p.Arg17His). This variant is present in population databases (rs146997263, gnomAD 0.003%). This variant has not been reported in the literature in individuals affected with HSPB8-related conditions. ClinVar contains an entry for this variant (Variation ID: 1899845). An algorithm developed to predict the effect of missense changes on protein structure and function (PolyPhen-2) suggests that this variant is likely to be disruptive. In summary, the available evidence is currently insufficient to determine the role of this variant in disease. Therefore, it has been classified as a Variant of Uncertain Significance.

Blueprint Genetics
Classification: Uncertain significance. Last evaluated: 2021-08-09. Review status: criteria provided, single submitter. Criteria: ACMG Guidelines, 2015. Collection method: clinical testing. Allele origin: germline.

NM_014365.3(HSPB8):c.50G>A (p.Arg17His)

Gene: HSPB8 (heat shock protein family B (small) member 8; plus strand). Cytogenetic location: 12q24.23.
Variant type: single nucleotide variant.
Coding change: c.50G>A on transcript NM_014365.3 (MANE Select); coding-DNA position 50, G replaced by A.
Protein change: p.Arg17His; replaces arginine 17 with histidine.
Molecular consequence: missense variant.
Genome position (GRCh38, 1-based): chr12:119,179,362, G>A. VCF-style: chr12-119179362-G-A. GRCh37 (hg19) VCF-style: chr12-119617167-G-A.
Other names: short protein forms R17H.
Identifiers: ClinVar variation 1899845 (VCV001899845.6), dbSNP rs146997263, ClinGen allele CA6819487.
Genomic context (GRCh38, chr12:119,179,362, plus strand): 5'-GAGCAGCCACCATGGCTGACGGTCAGATGCCCTTCTCCTGCCACTACCCAAGCCGCCTGC[G>A]CCGAGACCCCTTCCGGGACTCTCCCCTCTCCTCTCGCCTGCTGGATGATGGCTTTGGCAT-3'
Protein context (NP_055180.1, residues 7-27): PFSCHYPSRL[Arg17His]RDPFRDSPLS